The following is an entry in ClinVar:

ClinVar aggregate classification (germline): Uncertain significance (1 of 4 stars; one submission).

Allele frequency attached by ClinVar (database versions not stated): TOPMed below 0.00001.
gnomAD v4.1: 6 of 1,614,052 alleles (0.00037%); highest among the groups gnomAD compares: Non-Finnish European, 0.00042%; no homozygotes.

Submission:

Labcorp Genetics (formerly Invitae), Labcorp
Classification: Uncertain significance. Last evaluated: 2022-06-15. Review status: criteria provided, single submitter. Criteria: Invitae Variant Classification Sherloc (09022015). Collection method: clinical testing. Allele origin: germline.
Comment: This sequence change replaces lysine, which is basic and polar, with glutamic acid, which is acidic and polar, at codon 67 of the KARS protein (p.Lys67Glu). In summary, the available evidence is currently insufficient to determine the role of this variant in disease. Therefore, it has been classified as a Variant of Uncertain Significance. Algorithms developed to predict the effect of missense changes on protein structure and function are either unavailable or do not agree on the potential impact of this missense change (SIFT: "Deleterious"; PolyPhen-2: "Benign"; Align-GVGD: "Class C55"). This variant has not been reported in the literature in individuals affected with KARS-related conditions. This variant is present in population databases (no rsID available, gnomAD 0.0009%).

NM_005548.3(KARS1):c.115A>G (p.Lys39Glu)

Gene: KARS1 (lysyl-tRNA synthetase 1; minus strand). Cytogenetic location: 16q23.1.
Variant type: single nucleotide variant.
Coding change: c.115A>G on transcript NM_005548.3 (MANE Select); coding-DNA position 115, A replaced by G.
Protein change: p.Lys39Glu; replaces lysine 39 with glutamic acid.
Molecular consequence: missense variant. On other transcripts: 5 prime UTR variant (1).
Genome position (GRCh38, 1-based): chr16:75,641,671, T>C on the plus strand (A>G on the coding strand, the complement: KARS1 is on the minus strand). VCF-style: chr16-75641671-T-C. GRCh37 (hg19) VCF-style: chr16-75675569-T-C.
Other names: c.199A>G, p.Lys67Glu (NM_001130089.2); c.-354A>G (NM_001378148.1); short protein forms K39E, K67E.
Identifiers: ClinVar variation 1939481 (VCV001939481.5), dbSNP rs1372321661, ClinGen allele CA396816214.